The following is an entry in ClinVar:

NM_004713.6(NEMF):c.2283G>A (p.Gln761=)

Gene: NEMF (nuclear export mediator factor; minus strand). Cytogenetic location: 14q21.3.
Variant type: single nucleotide variant.
Coding change: c.2283G>A on transcript NM_004713.6 (MANE Select); coding-DNA position 2283, G replaced by A.
Protein change: p.Gln761=; no amino-acid change (glutamine 761 retained).
Molecular consequence: synonymous variant.
Genome position (GRCh38, 1-based): chr14:49,800,509, C>T on the plus strand (G>A on the coding strand, the complement: NEMF is on the minus strand). VCF-style: chr14-49800509-C-T. GRCh37 (hg19) VCF-style: chr14-50267227-C-T.
Other names: c.2220G>A, p.Gln740= (NM_001301732.3).
Identifiers: ClinVar variation 3389020 (VCV003389020.14).

ClinVar aggregate classification (germline): Likely benign (1 of 4 stars; one submission).

gnomAD v4.1: 6 of 1,613,778 alleles (0.00037%); highest among the groups gnomAD compares: Non-Finnish European, 0.00051%; no homozygotes.

Submission:

CeGaT Center for Human Genetics Tuebingen
Classification: Likely benign. Last evaluated: 2025-12-01. Review status: criteria provided, single submitter. Criteria: CeGaT Center For Human Genetics Tuebingen Variant Classification Criteria Version 2. Collection method: clinical testing. Allele origin: germline. Affected: yes. Observed: 1 variant allele.
Comment: NEMF: BP4, BP7